The following is an entry in ClinVar:

ClinVar aggregate classification (germline): Uncertain significance. Review status: criteria provided, multiple submitters, no conflicts (2 of 4 stars). 2 submissions from 2 submitters: Uncertain significance (2). Last evaluated 2025-06-18.

Conditions:
Cardiovascular phenotype. Identifiers: MedGen CN230736.
Long QT syndrome (LQTS). Identifiers: MedGen C0023976, MeSH D008133, MONDO:0002442. Disease mechanism: loss of function. Inheritance: Various modes of inheritance.

Allele frequency attached by ClinVar (database versions not stated): gnomAD exomes below 0.00001; gnomAD 0.00001.
gnomAD v4.1: 3 of 1,613,550 alleles (0.00019%); highest among the groups gnomAD compares: African/African-American, 0.0027%; no homozygotes.

Submissions (2):

Labcorp Genetics (formerly Invitae), Labcorp
Classification: Uncertain significance for Long QT syndrome. Last evaluated: 2025-06-18. Review status: criteria provided, single submitter. Criteria: Invitae Variant Classification Sherloc (09022015). Collection method: clinical testing. Allele origin: germline.
Comment: This sequence change replaces methionine, which is neutral and non-polar, with threonine, which is neutral and polar, at codon 682 of the CACNA1C protein (p.Met682Thr). This variant is present in population databases (no rsID available, gnomAD 0.02%). This variant has not been reported in the literature in individuals affected with CACNA1C-related conditions. ClinVar contains an entry for this variant (Variation ID: 1510054). Invitae Evidence Modeling of protein sequence and biophysical properties (such as structural, functional, and spatial information, amino acid conservation, physicochemical variation, residue mobility, and thermodynamic stability) indicates that this missense variant is not expected to disrupt CACNA1C protein function with a negative predictive value of 95%. In summary, the available evidence is currently insufficient to determine the role of this variant in disease. Therefore, it has been classified as a Variant of Uncertain Significance.

Ambry Genetics
Classification: Uncertain significance for Cardiovascular phenotype. Last evaluated: 2022-03-17. Review status: criteria provided, single submitter. Criteria: Ambry Variant Classification Scheme 2023. Collection method: clinical testing. Allele origin: germline.
Comment: The p.M682T variant (also known as c.2045T>C), located in coding exon 14 of the CACNA1C gene, results from a T to C substitution at nucleotide position 2045. The methionine at codon 682 is replaced by threonine, an amino acid with similar properties. This amino acid position is highly conserved in available vertebrate species. In addition, this alteration is predicted to be deleterious by in silico analysis. Since supporting evidence is limited at this time, the clinical significance of this alteration remains unclear.

NM_000719.7(CACNA1C):c.2045T>C (p.Met682Thr)

Gene: CACNA1C (calcium voltage-gated channel subunit alpha1 C; plus strand). Cytogenetic location: 12p13.33.
Variant type: single nucleotide variant.
Coding change: c.2045T>C on transcript NM_000719.7 (MANE Select); coding-DNA position 2045, T replaced by C.
Protein change: p.Met682Thr; replaces methionine 682 with threonine.
Molecular consequence: missense variant.
Genome position (GRCh38, 1-based): chr12:2,581,739, T>C. VCF-style: chr12-2581739-T-C. GRCh37 (hg19) VCF-style: chr12-2690905-T-C.
Other names: c.2045T>C, p.Met682Thr (NM_001129827.2, NM_001129829.2, NM_001129830.3 and 18 more transcripts); c.2036T>C, p.Met679Thr (NM_001129844.2); short protein forms M682T, M679T.
Identifiers: ClinVar variation 1510054 (VCV001510054.10), dbSNP rs1429541061, ClinGen allele CA383370410.